The following is an entry in ClinVar:

NM_001312909.2(FAM111A):c.1625G>T (p.Gly542Val)

Gene: FAM111A (FAM111 trypsin like peptidase A; plus strand). Cytogenetic location: 11q12.1.
Variant type: single nucleotide variant.
Coding change: c.1625G>T on transcript NM_001312909.2 (MANE Select); coding-DNA position 1625, G replaced by T.
Protein change: p.Gly542Val; replaces glycine 542 with valine.
Molecular consequence: missense variant.
Genome position (GRCh38, 1-based): chr11:59,153,293, G>T. VCF-style: chr11-59153293-G-T. GRCh37 (hg19) VCF-style: chr11-58920766-G-T.
Other names: c.1625G>T, p.Gly542Val (NM_001142519.3, NM_001142520.3, NM_001142521.3 and 29 more transcripts); short protein forms G542V.
Identifiers: ClinVar variation 3344035 (VCV003344035.1).

ClinVar aggregate classification (germline): Uncertain significance (0 of 4 stars; one submission).

Conditions:
FAM111A-related disorder. Also called: FAM111A-related condition.

Submission:

PreventionGenetics, part of Exact Sciences
Classification: Uncertain significance for FAM111A-related condition. Last evaluated: 2024-07-17. Review status: no assertion criteria provided. Collection method: clinical testing. Allele origin: germline.
Comment: The FAM111A c.1625G>T variant is predicted to result in the amino acid substitution p.Gly542Val. To our knowledge, this variant has not been reported in the literature or in a large population database, indicating this variant is rare. At this time, the clinical significance of this variant is uncertain due to the absence of conclusive functional and genetic evidence.